The following is an entry in ClinVar:

NM_000518.5(HBB):c.235del (p.Leu79fs)

Genes: HBB (hemoglobin subunit beta; minus strand), LOC106099062 (HBB recombination region; plus strand), LOC107133510 (origin of replication at HBB; plus strand). Cytogenetic location: 11p15.4.
Variant type: Deletion.
Coding change: c.235del on transcript NM_000518.5 (MANE Select); coding-DNA position 235, one base deleted (C; older notation c.235delC).
Protein change: p.Leu79fs; shifts the reading frame from leucine 79.
Molecular consequence: frameshift variant.
Genome position (GRCh38, 1-based): chr11:5,226,657, G deleted on the plus strand (C on the coding strand, the reverse complement: HBB is on the minus strand); the first of 2 consecutive G bases (chr11:5,226,657-5,226,658); deleting either gives the same sequence. VCF-style (leftmost placement, unchanged base first): chr11-5226656-AG-A. GRCh37 (hg19) VCF-style: chr11-5247886-AG-A.
Other names: c.235delC (NM_000518.4, NM_000518.5); short protein forms L79fs.
Identifiers: ClinVar variation 632846 (VCV000632846.17), dbSNP rs281865475, ClinGen allele CA217113884.

ClinVar aggregate classification (germline): Pathogenic/Likely pathogenic. Review status: criteria provided, multiple submitters, no conflicts (2 of 4 stars). 6 submissions from 6 submitters: Pathogenic (3); Likely pathogenic (2). 1 of the submissions does not count toward it. Last evaluated 2026-02-11.

Conditions:
beta Thalassemia (BTHAL). Also called: Cooley's anemia; Erythroblastic anemia; Mediterranean anemia. Identifiers: Orphanet 848, MedGen C0005283, MONDO:0019402. Disease mechanism: loss of function.
BETA-PLUS-THALASSEMIA. Identifiers: MedGen C3841475.

Submissions (6):

GeneDx
Classification: Likely pathogenic. Last evaluated: 2026-02-11. Review status: criteria provided, single submitter. Criteria: GeneDx Variant Classification Process June 2021. Collection method: clinical testing. Allele origin: germline. Affected: yes.
Comment: Reported in the published literature in a family with beta-thalassemia (PMID: 15481896); Frameshift variant predicted to result in abnormal protein length as the last 69 amino acid(s) are replaced with 10 different amino acid(s), and other similar variants have been reported in HGMD; Not observed at significant frequency in large population cohorts (gnomAD); This variant is associated with the following publications: (PMID: 35665479, 35638908, 15481896)

Quest Diagnostics Nichols Institute San Juan Capistrano
Classification: Pathogenic. Last evaluated: 2025-10-19. Review status: criteria provided, single submitter. Criteria: Quest Diagnostics criteria. Collection method: clinical testing. Allele origin: unknown.
Comment: The HBB c.235del (p.Leu79Trpfs*11) (also known as c.232delC or cd77/78(-C)) variant alters the translational reading frame of the HBB mRNA and causes the premature termination of HBB protein synthesis. This variant has been reported in the published literature in heterozygous state in individuals with beta-thalassemia hematological features (PMID: 15481896 (2004), HbVar). This variant has not been reported in large, multi-ethnic general populations (Genome Aggregation Database). Based on the available information, this variant is classified as pathogenic.

ARUP Laboratories, Molecular Genetics and Genomics, ARUP Laboratories
Classification: Pathogenic. Last evaluated: 2025-05-12. Review status: criteria provided, single submitter. Criteria: ARUP Molecular Germline Variant Investigation Process 2024. Collection method: clinical testing. Allele origin: germline.
Comment: The HBB c.235delC; p.Leu79fs variant (rs281865475, HbVar: 2533), commonly known as the Cd77/78 (-C) variant and also known as Leu78fs when numbered from the mature protein) is reported in the literature in the heterozygous state in individuals affected with beta-thalassemia minor (Herrera-Tirado 2022, see link to HbVar and references therein). This variant co-segregated with beta-thalassemia hematological features in a family with four affected heterozygotes (Perea 2004). This variant is absent from the Genome Aggregation Database (v2.1.1), indicating it is not a common polymorphism. This variant causes a frameshift by deleting a single nucleotide, so it is predicted to result in a truncated protein or mRNA subject to nonsense-mediated decay. Based on available information, this variant is considered to be pathogenic. REFERENCES Link to HbVar database: Herrera-Tirado IM et al. Effects of SPTA1 Gene Variants on the Hematological Phenotype of Mexican Patients with Hereditary Spherocytosis. Genet Test Mol Biomarkers. 2022 May;26(5):270-276. PMID: 35638908. Perea FJ et al. A frameshift at codons 77/78 (-C): a novel beta-thalassemia mutation. Hemoglobin. 2004 Aug;28(3):261-5. PMID: 15481896.

Natera, Inc.
Classification: Likely pathogenic for Beta thalassemia. Last evaluated: 2024-07-02. Review status: criteria provided, single submitter. Criteria: Natera Variant Classification Schema (03/2026). Collection method: clinical testing. Allele origin: germline.
Comment: The c.235delC variant in HBB is a frameshift variant predicted to shift the reading frame beginning at codon 79 and leads to a stop codon 11 codons downstream. This variant is expected to result in nonsense mediated decay, truncation, or a dysfunctional protein product. This variant is rare in the general population with a frequency below the threshold expected for the associated phenotype(s). Given the available evidence, this variant is classified as Likely Pathogenic.

Women's Health and Genetics/Laboratory Corporation of America, LabCorp
Classification: Pathogenic for beta Thalassemia. Last evaluated: 2023-11-03. Review status: criteria provided, single submitter. Criteria: LabCorp Variant Classification Summary - May 2015. Collection method: clinical testing. Allele origin: germline.
Comment: Variant summary: HBB c.235delC (p.Leu79TrpfsX11) results in a premature termination codon, predicted to cause a truncation of the encoded protein or absence of the protein due to nonsense mediated decay, which are commonly known mechanisms for disease. Variants downstream of this position have been classified as pathogenic by our laboratory. The variant was absent in 251428 control chromosomes (gnomAD). The c.235delC has been reported in the literature in four family members who all had hematological parameters suggestive of being a carriers of b-thal variant (Perea_2004). This report supports the association of the variant with Beta Thalassemia. To our knowledge, no experimental evidence demonstrating an impact on protein function has been reported. The following publication has been ascertained in the context of this evaluation (PMID: 15481896). Two submitters have cited clinical-significance assessments for this variant to ClinVar after 2014. Both submitters classified the variant as pathogenic/likely pathogenic. Based on the evidence outlined above, the variant was classified as pathogenic.

OMIM
Classification: Pathogenic for BETA-PLUS-THALASSEMIA. Last evaluated: 2004-08-01. Review status: no assertion criteria provided. Collection method: literature only. Allele origin: germline. Not counted in ClinVar's aggregate classification.

Literature cited by the submitters: PubMed 15481896 (cited by 3 submitters).